The following is an entry in ClinVar:

ClinVar aggregate classification (germline): Uncertain significance (1 of 4 stars; one submission).

Submission:

Labcorp Genetics (formerly Invitae), Labcorp
Classification: Uncertain significance. Last evaluated: 2024-10-22. Review status: criteria provided, single submitter. Criteria: Invitae Variant Classification Sherloc (09022015). Collection method: clinical testing. Allele origin: germline.
Comment: This sequence change replaces valine, which is neutral and non-polar, with leucine, which is neutral and non-polar, at codon 276 of the CDH23 protein (p.Val276Leu). This variant is not present in population databases (gnomAD no frequency). This variant has not been reported in the literature in individuals affected with CDH23-related conditions. ClinVar contains an entry for this variant (Variation ID: 1902689). Invitae Evidence Modeling of protein sequence and biophysical properties (such as structural, functional, and spatial information, amino acid conservation, physicochemical variation, residue mobility, and thermodynamic stability) has been performed for this missense variant. However, the output from this modeling did not meet the statistical confidence thresholds required to predict the impact of this variant on CDH23 protein function. In summary, the available evidence is currently insufficient to determine the role of this variant in disease. Therefore, it has been classified as a Variant of Uncertain Significance.

NM_022124.6(CDH23):c.826G>C (p.Val276Leu)

Gene: CDH23 (cadherin related 23; plus strand). Cytogenetic location: 10q22.1.
Variant type: single nucleotide variant.
Coding change: c.826G>C on transcript NM_022124.6 (MANE Select); coding-DNA position 826, G replaced by C.
Protein change: p.Val276Leu; replaces valine 276 with leucine.
Molecular consequence: missense variant.
Genome position (GRCh38, 1-based): chr10:71,577,986, G>C. VCF-style: chr10-71577986-G-C. GRCh37 (hg19) VCF-style: chr10-73337743-G-C.
Other names: c.826G>C, p.Val276Leu (NM_001171930.2, NM_001171931.2, NM_001171932.2 and 1 more transcripts); short protein forms V276L.
Identifiers: ClinVar variation 1902689 (VCV001902689.4), dbSNP rs559734973, ClinGen allele CA209447689.
Genomic context (GRCh38, chr10:71,577,986, plus strand): 5'-CGCATCATCACCGCCATAGACCAGGATAAAGGACGTCCCCGGGGCATTGGCTACACCATC[G>C]TTTCAGGTAAGACAGAAGGCTGCCCCTCTCTCCTCTCACCCCTCTGTCCTCCACCCAAGG-3'
Protein context (NP_071407.4, residues 266-286): GRPRGIGYTI[Val276Leu]SGNTNSIFAL